The following is an entry in ClinVar:

NM_001040436.3(YARS2):c.29C>T (p.Ser10Phe)

Gene: YARS2 (tyrosyl-tRNA synthetase 2; minus strand). Cytogenetic location: 12p11.21.
Variant type: single nucleotide variant.
Coding change: c.29C>T on transcript NM_001040436.3 (MANE Select); coding-DNA position 29, C replaced by T.
Protein change: p.Ser10Phe; replaces serine 10 with phenylalanine.
Molecular consequence: missense variant.
Genome position (GRCh38, 1-based): chr12:32,755,846, G>A on the plus strand (C>T on the coding strand, the complement: YARS2 is on the minus strand). VCF-style: chr12-32755846-G-A. GRCh37 (hg19) VCF-style: chr12-32908780-G-A.
Other names: short protein forms S10F.
Identifiers: ClinVar variation 1982789 (VCV001982789.3), dbSNP rs142999358, ClinGen allele CA6508256.

ClinVar aggregate classification (germline): Uncertain significance (1 of 4 stars; one submission).

Allele frequency attached by ClinVar (database versions not stated): gnomAD exomes below 0.00001; ExAC 0.00001; gnomAD 0.00001; TOPMed 0.00001; ESP Exome Variant Server 0.00008.
gnomAD v4.1: 7 of 1,613,210 alleles (0.00043%); highest among the groups gnomAD compares: Admixed American, 0.0067%; no homozygotes.

Submission:

Labcorp Genetics (formerly Invitae), Labcorp
Classification: Uncertain significance. Last evaluated: 2022-07-01. Review status: criteria provided, single submitter. Criteria: Invitae Variant Classification Sherloc (09022015). Collection method: clinical testing. Allele origin: germline.
Comment: This sequence change replaces serine, which is neutral and polar, with phenylalanine, which is neutral and non-polar, at codon 10 of the YARS2 protein (p.Ser10Phe). This variant is present in population databases (rs142999358, gnomAD 0.009%). This variant has not been reported in the literature in individuals affected with YARS2-related conditions. Advanced modeling of protein sequence and biophysical properties (such as structural, functional, and spatial information, amino acid conservation, physicochemical variation, residue mobility, and thermodynamic stability) performed at Invitae indicates that this missense variant is not expected to disrupt YARS2 protein function. In summary, the available evidence is currently insufficient to determine the role of this variant in disease. Therefore, it has been classified as a Variant of Uncertain Significance.